The following is an entry in ClinVar:

ClinVar aggregate classification (germline): Uncertain significance. Review status: criteria provided, multiple submitters, no conflicts (2 of 4 stars). 4 submissions from 4 submitters: Uncertain significance (4). Last evaluated 2024-08-13.

Conditions:
Inborn genetic diseases. Identifiers: MedGen C0950123, MeSH D030342.
Autosomal recessive limb-girdle muscular dystrophy type 2A (LGMDR1). Also called: LEYDEN-MOEBIUS MUSCULAR DYSTROPHY; MUSCULAR DYSTROPHY, PELVOFEMORAL; Limb-girdle muscular dystrophy, type 2A; Calpainopathy; Muscular dystrophy, limb-girdle, type 2A, Amish. Identifiers: Orphanet 267, MedGen C1869123, MONDO:0009675, OMIM 253600. Disease mechanism: loss of function.

Allele frequency attached by ClinVar (database versions not stated): TOPMed 0.00001; ExAC 0.00002; gnomAD 0.00002; gnomAD exomes 0.00002 and 0.00006; ESP Exome Variant Server 0.00008.
gnomAD v4.1: 83 of 1,613,506 alleles (0.0051%); highest among the groups gnomAD compares: Non-Finnish European, 0.0066%; no homozygotes.

Submissions (4):

Revvity Omics, Revvity
Classification: Uncertain significance. Last evaluated: 2024-08-13. Review status: criteria provided, single submitter. Criteria: ACMG Guidelines, 2015. Collection method: clinical testing. Allele origin: germline.

Ambry Genetics
Classification: Uncertain significance for Inborn genetic diseases. Last evaluated: 2024-08-12. Review status: criteria provided, single submitter. Criteria: Ambry Variant Classification Scheme 2023. Collection method: clinical testing. Allele origin: germline.

Labcorp Genetics (formerly Invitae), Labcorp
Classification: Uncertain significance for Autosomal recessive limb-girdle muscular dystrophy type 2A. Last evaluated: 2024-06-01. Review status: criteria provided, single submitter. Criteria: Invitae Variant Classification Sherloc (09022015). Collection method: clinical testing. Allele origin: germline.
Comment: This sequence change replaces alanine, which is neutral and non-polar, with valine, which is neutral and non-polar, at codon 750 of the CAPN3 protein (p.Ala750Val). This variant is present in population databases (rs371367772, gnomAD 0.003%). This variant has not been reported in the literature in individuals affected with CAPN3-related conditions. ClinVar contains an entry for this variant (Variation ID: 663850). Advanced modeling of protein sequence and biophysical properties (such as structural, functional, and spatial information, amino acid conservation, physicochemical variation, residue mobility, and thermodynamic stability) performed at Invitae indicates that this missense variant is not expected to disrupt CAPN3 protein function with a negative predictive value of 80%. In summary, the available evidence is currently insufficient to determine the role of this variant in disease. Therefore, it has been classified as a Variant of Uncertain Significance.

Blueprint Genetics
Classification: Uncertain significance. Last evaluated: 2024-02-22. Review status: criteria provided, single submitter. Criteria: ACMG Guidelines, 2015. Collection method: clinical testing. Allele origin: germline.

NM_000070.3(CAPN3):c.2249C>T (p.Ala750Val)

Gene: CAPN3 (calpain 3; plus strand). Cytogenetic location: 15q15.1.
Variant type: single nucleotide variant.
Coding change: c.2249C>T on transcript NM_000070.3 (MANE Select); coding-DNA position 2249, C replaced by T.
Protein change: p.Ala750Val; replaces alanine 750 with valine.
Molecular consequence: missense variant.
Genome position (GRCh38, 1-based): chr15:42,410,652, C>T. VCF-style: chr15-42410652-C-T. GRCh37 (hg19) VCF-style: chr15-42702850-C-T.
Other names: c.2231C>T, p.Ala744Val (NM_024344.2); c.1973C>T, p.Ala658Val (NM_173087.2); c.713C>T, p.Ala238Val (NM_173088.2); c.254C>T, p.Ala85Val (NM_173089.2, NM_173090.2); short protein forms A238V, A750V, A744V, A85V, A658V.
Identifiers: ClinVar variation 663850 (VCV000663850.8), dbSNP rs371367772, ClinGen allele CA7511780.